The following is an entry in ClinVar:

NM_001173464.2(KIF21A):c.1350G>A (p.Arg450=)

Gene: KIF21A (kinesin family member 21A; minus strand). Cytogenetic location: 12q12.
Variant type: single nucleotide variant.
Coding change: c.1350G>A on transcript NM_001173464.2 (MANE Select); coding-DNA position 1350, G replaced by A.
Protein change: p.Arg450=; no amino-acid change (arginine 450 retained).
Molecular consequence: synonymous variant.
Genome position (GRCh38, 1-based): chr12:39,357,303, C>T on the plus strand (G>A on the coding strand, the complement: KIF21A is on the minus strand). VCF-style: chr12-39357303-C-T. GRCh37 (hg19) VCF-style: chr12-39751105-C-T.
Other names: c.1350G>A, p.Arg450= (NM_001173463.2, NM_001173465.2, NM_001378439.1 and 3 more transcripts).
Identifiers: ClinVar variation 3053307 (VCV003053307.2), dbSNP rs375768830, ClinGen allele CA235278800.

ClinVar aggregate classification (germline): Likely benign (0 of 4 stars; one submission).

Conditions:
KIF21A-related disorder. Also called: KIF21A-related condition.

Allele frequency attached by ClinVar (database versions not stated): TOPMed 0.00001; ESP Exome Variant Server 0.00008.
gnomAD v4.1: 2 of 1,614,122 alleles (0.00012%); highest among the groups gnomAD compares: African/African-American, 0.0027%; no homozygotes.

Submission:

PreventionGenetics, part of Exact Sciences
Classification: Likely benign for KIF21A-related condition. Last evaluated: 2019-08-20. Review status: no assertion criteria provided. Collection method: clinical testing. Allele origin: germline.
Comment: This variant is classified as likely benign based on ACMG/AMP sequence variant interpretation guidelines (Richards et al. 2015 PMID: 25741868, with internal and published modifications).